The following is an entry in ClinVar:

NM_006082.3(TUBA1B):c.477T>C (p.Val159=)

Gene: TUBA1B (tubulin alpha 1b; minus strand). Cytogenetic location: 12q13.12.
Variant type: single nucleotide variant.
Coding change: c.477T>C on transcript NM_006082.3 (MANE Select); coding-DNA position 477, T replaced by C.
Protein change: p.Val159=; no amino-acid change (valine 159 retained).
Molecular consequence: synonymous variant.
Genome position (GRCh38, 1-based): chr12:49,128,837, A>G on the plus strand (T>C on the coding strand, the complement: TUBA1B is on the minus strand). VCF-style: chr12-49128837-A-G. GRCh37 (hg19) VCF-style: chr12-49522620-A-G.
Identifiers: ClinVar variation 4872783 (VCV004872783.2).

ClinVar aggregate classification (germline): Likely benign (1 of 4 stars; one submission).

Submission:

CeGaT Center for Human Genetics Tuebingen
Classification: Likely benign. Last evaluated: 2026-05-01. Review status: criteria provided, single submitter. Criteria: CeGaT Center For Human Genetics Tuebingen Variant Classification Criteria Version 2. Collection method: clinical testing. Allele origin: germline. Affected: yes. Observed: 1 variant allele.
Comment: TUBA1B: PM2:Supporting, BP4, BP7